The following is an entry in ClinVar:

NM_020975.6(RET):c.394C>T (p.Leu132Phe)

Gene: RET (ret proto-oncogene; plus strand). Cytogenetic location: 10q11.21.
Variant type: single nucleotide variant.
Coding change: c.394C>T on transcript NM_020975.6 (MANE Select); coding-DNA position 394, C replaced by T.
Protein change: p.Leu132Phe; replaces leucine 132 with phenylalanine.
Molecular consequence: missense variant.
Genome position (GRCh38, 1-based): chr10:43,102,398, C>T. VCF-style: chr10-43102398-C-T. GRCh37 (hg19) VCF-style: chr10-43597846-C-T.
Other names: c.394C>T, p.Leu132Phe (NM_000323.2, NM_001406743.1, NM_001406744.1 and 16 more transcripts); short protein forms L132F.
Identifiers: ClinVar variation 1521138 (VCV001521138.10), dbSNP rs1554817540, ClinGen allele CA376770730.

ClinVar aggregate classification (germline): Uncertain significance. Review status: criteria provided, multiple submitters, no conflicts (2 of 4 stars). 2 submissions from 2 submitters: Uncertain significance (2). Last evaluated 2025-06-15.

Conditions:
Hereditary cancer-predisposing syndrome. Also called: Hereditary neoplastic syndrome; Hereditary Cancer Syndrome; Tumor predisposition; Neoplastic Syndromes, Hereditary. Identifiers: Orphanet 140162, MedGen C0027672, MeSH D009386, MONDO:0015356.
Multiple endocrine neoplasia, type 2 (MEN2). Identifiers: Orphanet 653, MedGen C4048306, MONDO:0019003. Disease mechanism: gain of function.

Submissions (2):

Labcorp Genetics (formerly Invitae), Labcorp
Classification: Uncertain significance for Multiple endocrine neoplasia, type 2. Last evaluated: 2025-06-15. Review status: criteria provided, single submitter. Criteria: Invitae Variant Classification Sherloc (09022015). Collection method: clinical testing. Allele origin: germline.
Comment: This sequence change replaces leucine, which is neutral and non-polar, with phenylalanine, which is neutral and non-polar, at codon 132 of the RET protein (p.Leu132Phe). This variant is not present in population databases (gnomAD no frequency). This variant has not been reported in the literature in individuals affected with RET-related conditions. ClinVar contains an entry for this variant (Variation ID: 1521138). An algorithm developed to predict the effect of missense changes on protein structure and function outputs the following: PolyPhen-2: "Benign". The phenylalanine amino acid residue is found in multiple mammalian species, which suggests that this missense change does not adversely affect protein function. In summary, the available evidence is currently insufficient to determine the role of this variant in disease. Therefore, it has been classified as a Variant of Uncertain Significance.

Ambry Genetics
Classification: Uncertain significance for Hereditary cancer-predisposing syndrome. Last evaluated: 2023-02-04. Review status: criteria provided, single submitter. Criteria: Ambry Variant Classification Scheme 2023. Collection method: clinical testing. Allele origin: germline.
Comment: The p.L132F variant (also known as c.394C>T), located in coding exon 3 of the RET gene, results from a C to T substitution at nucleotide position 394. The leucine at codon 132 is replaced by phenylalanine, an amino acid with highly similar properties. This amino acid position is conserved. In addition, this alteration is predicted to be tolerated by in silico analysis. Since supporting evidence is limited at this time, the clinical significance of this alteration remains unclear.